The following is an entry in ClinVar:

ClinVar aggregate classification (germline): Uncertain significance. Review status: criteria provided, multiple submitters, no conflicts (2 of 4 stars). 4 submissions from 4 submitters: Uncertain significance (2). 2 of the submissions do not count toward it. Last evaluated 2024-10-30.

Conditions:
Zellweger spectrum disorders (ZS). Also called: Zellweger Spectrum Disorder; Zellweger Spectrum; Zellweger Spectrum Disorder (ZSD); Zellweger syndrome. Identifiers: Orphanet 912, MedGen C0043459, MONDO:0019609.
Peroxisome biogenesis disorder. Identifiers: Orphanet 79189, MedGen C1832200, MONDO:0019234. Disease mechanism: loss of function.
PEX6-related disorder. Also called: PEX6-related condition; PEX6-related disorders.

Allele frequency attached by ClinVar (database versions not stated): TOPMed 0.00003; gnomAD 0.00004 and 0.00005.
gnomAD v4.1: 79 of 1,613,658 alleles (0.0049%); highest among the groups gnomAD compares: East Asian, 0.049%; no homozygotes.

Submissions (4):

Blueprint Genetics
Classification: Uncertain significance. Last evaluated: 2024-10-30. Review status: criteria provided, single submitter. Criteria: ACMG Guidelines, 2015. Collection method: clinical testing. Allele origin: germline.

Labcorp Genetics (formerly Invitae), Labcorp
Classification: Uncertain significance for Peroxisome biogenesis disorder. Last evaluated: 2023-12-11. Review status: criteria provided, single submitter. Criteria: Invitae Variant Classification Sherloc (09022015). Collection method: clinical testing. Allele origin: germline.
Comment: This sequence change replaces arginine, which is basic and polar, with leucine, which is neutral and non-polar, at codon 975 of the PEX6 protein (p.Arg975Leu). This variant is present in population databases (rs757254854, gnomAD 0.01%). This variant has not been reported in the literature in individuals affected with PEX6-related conditions. ClinVar contains an entry for this variant (Variation ID: 834949). Advanced modeling of protein sequence and biophysical properties (such as structural, functional, and spatial information, amino acid conservation, physicochemical variation, residue mobility, and thermodynamic stability) performed at Invitae indicates that this missense variant is not expected to disrupt PEX6 protein function with a negative predictive value of 95%. In summary, the available evidence is currently insufficient to determine the role of this variant in disease. Therefore, it has been classified as a Variant of Uncertain Significance.

PreventionGenetics, part of Exact Sciences
Classification: Uncertain significance for PEX6-related condition. Last evaluated: 2024-03-14. Review status: no assertion criteria provided. Collection method: clinical testing. Allele origin: germline. Not counted in ClinVar's aggregate classification.
Comment: The PEX6 c.2924G>T variant is predicted to result in the amino acid substitution p.Arg975Leu. To our knowledge, this variant has not been reported in the literature. This variant is reported in 0.012% of alleles in individuals of European (Non-Finnish) descent in gnomAD. At this time, the clinical significance of this variant is uncertain due to the absence of conclusive functional and genetic evidence.

Natera, Inc.
Classification: Uncertain significance for Zellweger syndrome. Last evaluated: 2020-09-16. Review status: no assertion criteria provided. Collection method: clinical testing. Allele origin: germline. Not counted in ClinVar's aggregate classification.

NM_000287.4(PEX6):c.2924G>T (p.Arg975Leu)

Gene: PEX6 (peroxisomal biogenesis factor 6; minus strand). Cytogenetic location: 6p21.1.
Variant type: single nucleotide variant.
Coding change: c.2924G>T on transcript NM_000287.4 (MANE Select); coding-DNA position 2924, G replaced by T.
Protein change: p.Arg975Leu; replaces arginine 975 with leucine.
Molecular consequence: missense variant. On other transcripts: non-coding transcript variant (1).
Genome position (GRCh38, 1-based): chr6:42,964,354, C>A on the plus strand (G>T on the coding strand, the complement: PEX6 is on the minus strand). VCF-style: chr6-42964354-C-A. GRCh37 (hg19) VCF-style: chr6-42932092-C-A.
Other names: c.2660G>T, p.Arg887Leu (NM_001316313.2); short protein forms R887L, R975L.
Identifiers: ClinVar variation 834949 (VCV000834949.7), dbSNP rs757254854, ClinGen allele CA3810860.
Genomic context (GRCh38, chr6:42,964,354, plus strand): 5'-CTGCAGCCATGCTGAGCGGGGTCCCAGACCCTGGGGGGCTCCTAGCAGGCAGCAAACTTG[C>A]GCTGGATGCGCTTGTACCGGAGCAGCTCCTGCTCACTGACTGAGGGTTGCAGCCGGGCGG-3'
Protein context (NP_000278.3, residues 965-980): QELLRYKRIQ[Arg975Leu]KFAAC